The following is an entry in ClinVar:

ClinVar aggregate classification (germline): Likely pathogenic (1 of 4 stars; one submission).

Submission:

Labcorp Genetics (formerly Invitae), Labcorp
Classification: Likely pathogenic. Last evaluated: 2023-11-27. Review status: criteria provided, single submitter. Criteria: Invitae Variant Classification Sherloc (09022015). Collection method: clinical testing. Allele origin: germline.
Comment: This variant results in the deletion of exon 17 and part of exon 18 (c.1757-74_1872delinsGT) of the CLCNKB gene. It is expected to disrupt RNA splicing. Variants that disrupt the donor or acceptor splice site typically lead to a loss of protein function (PMID: 16199547), and loss-of-function variants in CLCNKB are known to be pathogenic (PMID: 24830959, 26920127, 28381550, 29254190). This variant is not present in population databases (gnomAD no frequency). This variant has not been reported in the literature in individuals affected with CLCNKB-related conditions. In summary, the currently available evidence indicates that the variant is pathogenic, but additional data are needed to prove that conclusively. Therefore, this variant has been classified as Likely Pathogenic.

Literature cited by the submitters: PubMed 16199547; PubMed 24830959; PubMed 26920127; PubMed 28381550; PubMed 29254190.

NM_000085.5(CLCNKB):c.1757-74_1872delinsGT

Genes: CLCNKB (chloride voltage-gated channel Kb; plus strand), LOC106501713 (CLCNKB recombination region; plus strand). Cytogenetic location: 1p36.13.
Variant type: Indel.
Coding change: c.1757-74_1872delinsGT on transcript NM_000085.5 (MANE Select); 74 bases into the intron before coding-DNA position 1757 through coding-DNA position 1872, the reference bases replaced by GT.
Molecular consequence: splice acceptor variant, splice donor variant.
Genome position (GRCh38, 1-based): chr1:16,055,361-16,055,701, 341 bases replaced. GRCh37 (hg19): chr1:16,381,856-16,382,196.
Other names: c.1250-74_1362delinsGT (NM_001165945.2).
Identifiers: ClinVar variation 2699363 (VCV002699363.3), dbSNP rs2524400774, ClinGen allele CA2697552225.